The following is an entry in ClinVar:

NM_005422.4(TECTA):c.199-4G>A

Genes: TBCEL-TECTA (TBCEL-TECTA readthrough; plus strand), TECTA (tectorin alpha; plus strand). Cytogenetic location: 11q23.3.
Variant type: single nucleotide variant.
Coding change: c.199-4G>A on transcript NM_005422.4 (MANE Select); 4 bases into the intron before coding-DNA position 199, G replaced by A.
Molecular consequence: intron variant.
Genome position (GRCh38, 1-based): chr11:121,109,207, G>A. VCF-style: chr11-121109207-G-A. GRCh37 (hg19) VCF-style: chr11-120979916-G-A.
Other names: c.1156-4G>A (NM_001378761.1).
Identifiers: ClinVar variation 929982 (VCV000929982.8), dbSNP rs373736415, ClinGen allele CA6326449.

ClinVar aggregate classification (germline): Likely benign. Review status: criteria provided, multiple submitters, no conflicts (2 of 4 stars). 3 submissions from 3 submitters: Likely benign (2). 1 of the submissions does not count toward it. Last evaluated 2025-07-30.

Conditions:
TECTA-related disorder. Also called: TECTA-related condition.

Allele frequency attached by ClinVar (database versions not stated): ESP Exome Variant Server 0.00046; TOPMed 0.00032; 1000 Genomes Project 0.00020; gnomAD 0.00029 and 0.00034; 1000 Genomes Project 30x 0.00062.
gnomAD v4.1: 82 of 1,614,006 alleles (0.0051%); highest among the groups gnomAD compares: African/African-American, 0.079%; no homozygotes.

Submissions (3):

Labcorp Genetics (formerly Invitae), Labcorp
Classification: Likely benign. Last evaluated: 2025-07-30. Review status: criteria provided, single submitter. Criteria: Invitae Variant Classification Sherloc (09022015). Collection method: clinical testing. Allele origin: germline.

Laboratory for Molecular Medicine, Mass General Brigham Personalized Medicine
Classification: Likely benign. Last evaluated: 2012-04-30. Review status: criteria provided, single submitter. Criteria: LMM Criteria. Collection method: clinical testing. Allele origin: germline. Observed: 1 variant allele.
Comment: 199-4G>A in Intron 02 of TECTA: This variant is not expected to have clinical significance because it is not located within the conserved splice consensus sequence and has been identified in 0.1% (4/3738) of African American chromosomes from a broad population by the NHLBI Exome Sequencing Project.

PreventionGenetics, part of Exact Sciences
Classification: Likely benign for TECTA-related condition. Last evaluated: 2019-08-07. Review status: no assertion criteria provided. Collection method: clinical testing. Allele origin: germline. Not counted in ClinVar's aggregate classification.
Comment: This variant is classified as likely benign based on ACMG/AMP sequence variant interpretation guidelines (Richards et al. 2015 PMID: 25741868, with internal and published modifications).